The following is an entry in ClinVar:

ClinVar aggregate classification (germline): Likely benign (1 of 4 stars; one submission).

Conditions:
Fabry disease. Also called: ALPHA-GALACTOSIDASE A DEFICIENCY; ANDERSON-FABRY DISEASE; CERAMIDE TRIHEXOSIDASE DEFICIENCY; GLA DEFICIENCY; HEREDITARY DYSTOPIC LIPIDOSIS; Angiokeratoma corporis diffusum. Identifiers: Orphanet 324, MedGen C0002986, MONDO:0010526, OMIM 301500, HP:0001071. Disease mechanism: Fabry disease is due to inactivating mutations in the X-linked GLA gene resulting in deficiency of the enzyme Alpha Galactosidase-A., loss of function.

gnomAD v4.1: 245 of 111,731 alleles (0.22%); highest among the groups gnomAD compares: Middle Eastern, 0.91%; no homozygotes.

Submission:

Genomenon, Inc
Classification: Likely benign for Fabry disease. Last evaluated: 2026-09-08. Review status: criteria provided, single submitter. Criteria: Genomenon Sequence Variant Interpretation Standards - Updated. Collection method: curation. Allele origin: germline. Affected: no.
Comment: GLA c.639+715C>T is an intronic variant located in intron 4. This variant has been reported in the published literature (PMID:30099469). This variant is not predicted to impact splicing. This variant's allele frequency in gnomAD is greater than expected for this disorder. In conclusion, we classify GLA c.639+715C>T as a likely benign variant.

Literature cited by the submitters: PubMed 30099469.

NM_000169.3(GLA):c.639+715C>T

Genes: GLA (galactosidase alpha; minus strand), RPL36A-HNRNPH2 (RPL36A-HNRNPH2 readthrough; plus strand). Cytogenetic location: Xq22.1.
Variant type: single nucleotide variant.
Coding change: c.639+715C>T on transcript NM_000169.3 (MANE Select); 715 bases into the intron after coding-DNA position 639, C replaced by T.
Molecular consequence: intron variant.
Genome position (GRCh38, 1-based): chrX:101,399,951, G>A on the plus strand (C>T on the coding strand, the complement: GLA is on the minus strand). VCF-style: chrX-101399951-G-A. GRCh37 (hg19) VCF-style: chrX-100654939-G-A.
Other names: c.300+4494G>A (NM_001199973.2); c.177+8129G>A (NM_001199974.2); c.762+715C>T (NM_001406747.1); c.639+715C>T (NM_001406748.1).
Identifiers: ClinVar variation 4087116 (VCV004087116.2), dbSNP rs781830450.